The following is an entry in ClinVar:

ClinVar aggregate classification (germline): Uncertain significance. Review status: criteria provided, multiple submitters, no conflicts (2 of 4 stars). 6 submissions from 6 submitters: Uncertain significance (5). 1 of the submissions does not count toward it. Last evaluated 2025-07-21.

Conditions:
Familial focal epilepsy with variable foci (FPEVF). Identifiers: Orphanet 98820, MedGen C1858477, MONDO:0020310.
Developmental and epileptic encephalopathy 111 (DEE111). Identifiers: MedGen C5882690, MONDO:0957780, OMIM 620504.

Allele frequency attached by ClinVar (database versions not stated): gnomAD exomes below 0.00001; TOPMed 0.00001.
gnomAD v4.1: 7 of 1,614,130 alleles (0.00043%); highest among the groups gnomAD compares: Middle Eastern, 0.016%; no homozygotes.

Submissions (6):

3billion
Classification: Uncertain significance for Developmental and epileptic encephalopathy 111. Last evaluated: 2025-07-21. Review status: criteria provided, single submitter. Criteria: ACMG Guidelines, 2015. Collection method: clinical testing. Allele origin: germline. Affected: yes.
Comment: The variant is observed at an extremely low frequency in the gnomAD v4.1.0 dataset (total allele frequency: <0.001%). Predicted Consequence/Location: Missense variant. The majority of the known disease-causing variants of this gene are variants expected to result in premature termination of the protein. In silico tool predictions suggest damaging effect of the variant on gene or gene product [3Cnet: 0.88 (> 0.75, sensitivity 0.96 and precision 0.92)]. The same nucleotide change resulting in the same amino acid change has been previously reported to be associated with DEPDC5-related disorder (ClinVar ID: VCV000447244 /PMID: 36067010). However, the evidence of pathogenicity is insufficient at this time. Therefore, this variant is classified as VUS according to the recommendation of ACMG/AMP guideline.

GeneDx
Classification: Uncertain significance. Last evaluated: 2025-01-25. Review status: criteria provided, single submitter. Criteria: GeneDx Variant Classification Process June 2021. Collection method: clinical testing. Allele origin: germline. Affected: yes.
Comment: Observed as homozygous variant in patients with severe developmental delay and seizures in published literature (PMID: 36067010); Not observed at significant frequency in large population cohorts (gnomAD); In silico analysis supports that this missense variant has a deleterious effect on protein structure/function; In silico analysis suggests this variant may impact gene splicing. In the absence of RNA/functional studies, the actual effect of this sequence change is unknown.; This variant is associated with the following publications: (PMID: 36067010)

Labcorp Genetics (formerly Invitae), Labcorp
Classification: Uncertain significance for Familial focal epilepsy with variable foci. Last evaluated: 2022-05-30. Review status: criteria provided, single submitter. Criteria: Invitae Variant Classification Sherloc (09022015). Collection method: clinical testing. Allele origin: germline.
Comment: This sequence change replaces arginine, which is basic and polar, with cysteine, which is neutral and slightly polar, at codon 806 of the DEPDC5 protein (p.Arg806Cys). This variant is not present in population databases (gnomAD no frequency). This missense change has been observed in individual(s) with clinical features of DEPDC5-related conditions (Invitae). ClinVar contains an entry for this variant (Variation ID: 447244). Algorithms developed to predict the effect of missense changes on protein structure and function are either unavailable or do not agree on the potential impact of this missense change (SIFT: "Deleterious"; PolyPhen-2: "Not Available"; Align-GVGD: "Class C65"). Algorithms developed to predict the effect of sequence changes on RNA splicing suggest that this variant may create or strengthen a splice site. In summary, the available evidence is currently insufficient to determine the role of this variant in disease. Therefore, it has been classified as a Variant of Uncertain Significance.

CeGaT Center for Human Genetics Tuebingen
Classification: Uncertain significance. Last evaluated: 2021-04-01. Review status: criteria provided, single submitter. Criteria: CeGaT Center For Human Genetics Tuebingen Variant Classification Criteria Version 2. Collection method: clinical testing. Allele origin: germline. Affected: yes. Observed: 3 variant alleles.

Athena Diagnostics
Classification: Uncertain significance. Last evaluated: 2017-07-12. Review status: criteria provided, single submitter. Criteria: Athena Diagnostics Criteria. Collection method: clinical testing. Allele origin: germline.

OMIM
Classification: Pathogenic for DEVELOPMENTAL AND EPILEPTIC ENCEPHALOPATHY 111. Last evaluated: 2023-12-08. Review status: no assertion criteria provided. Collection method: literature only. Allele origin: germline. Not counted in ClinVar's aggregate classification.

Literature cited by the submitters: PubMed 36067010 (cited by 3billion); Ververi, A., Zagaglia, S., Menzies, L., Baptista, J., Caswell, R., Baulac, S., Ellard, S., Lynch, S., Genomics England Research Consortium, Jacques, T. S., Chawla, M. S., Heier, M., and 27 others Germline homozygous missense DEPDC5 variants cause severe refractory early-onset epilepsy, macrocephaly and bilateral polymicrogyria. Hum. Molec. Genet. 32: 580-594, 2023. (cited by OMIM).

NM_001242896.3(DEPDC5):c.2416C>T (p.Arg806Cys)

Gene: DEPDC5 (DEP domain containing 5, GATOR1 subcomplex subunit; plus strand). Cytogenetic location: 22q12.3.
Variant type: single nucleotide variant.
Coding change: c.2416C>T on transcript NM_001242896.3 (MANE Select); coding-DNA position 2416, C replaced by T.
Protein change: p.Arg806Cys; replaces arginine 806 with cysteine.
Molecular consequence: missense variant. On other transcripts: non-coding transcript variant (5).
Genome position (GRCh38, 1-based): chr22:31,838,746, C>T. VCF-style: chr22-31838746-C-T. GRCh37 (hg19) VCF-style: chr22-32234732-C-T.
Other names: c.2389C>T, p.Arg797Cys (NM_001136029.4, NM_001369903.1, NM_014662.6); c.2182C>T, p.Arg728Cys (NM_001242897.2, NM_001363854.2, NM_001364319.2); c.2416C>T, p.Arg806Cys (NM_001363852.2, NM_001364318.2, NM_001364320.2); c.2332C>T, p.Arg778Cys (NM_001369901.1, NM_001369902.1); short protein forms R728C, R806C, R797C, R778C.
Identifiers: ClinVar variation 447244 (VCV000447244.50), dbSNP rs953743301, ClinGen allele CA323335091.